The following is an entry in ClinVar:

NM_173477.5(USH1G):c.502G>A (p.Glu168Lys)

Gene: USH1G (USH1 protein network component sans; minus strand). Cytogenetic location: 17q25.1.
Variant type: single nucleotide variant.
Coding change: c.502G>A on transcript NM_173477.5 (MANE Select); coding-DNA position 502, G replaced by A.
Protein change: p.Glu168Lys; replaces glutamic acid 168 with lysine.
Molecular consequence: missense variant.
Genome position (GRCh38, 1-based): chr17:74,920,334, C>T on the plus strand (G>A on the coding strand, the complement: USH1G is on the minus strand). VCF-style: chr17-74920334-C-T. GRCh37 (hg19) VCF-style: chr17-72916429-C-T.
Other names: c.193G>A, p.Glu65Lys (NM_001282489.3); short protein forms E168K, E65K.
Identifiers: ClinVar variation 2097773 (VCV002097773.4), dbSNP rs1226851798, ClinGen allele CA400965009.

ClinVar aggregate classification (germline): Uncertain significance (1 of 4 stars; one submission).

Allele frequency attached by ClinVar (database versions not stated): gnomAD 0.00001.
gnomAD v4.1: 4 of 1,609,846 alleles (0.00025%); highest among the groups gnomAD compares: Non-Finnish European, 0.00025%; no homozygotes.

Submission:

Labcorp Genetics (formerly Invitae), Labcorp
Classification: Uncertain significance. Last evaluated: 2022-02-15. Review status: criteria provided, single submitter. Criteria: Invitae Variant Classification Sherloc (09022015). Collection method: clinical testing. Allele origin: germline.
Comment: This variant is present in population databases (no rsID available, gnomAD 0.0009%). This variant has not been reported in the literature in individuals affected with USH1G-related conditions. Algorithms developed to predict the effect of missense changes on protein structure and function are either unavailable or do not agree on the potential impact of this missense change (SIFT: "Not Available"; PolyPhen-2: "Possibly Damaging"; Align-GVGD: "Not Available"). In summary, the available evidence is currently insufficient to determine the role of this variant in disease. Therefore, it has been classified as a Variant of Uncertain Significance. This sequence change replaces glutamic acid, which is acidic and polar, with lysine, which is basic and polar, at codon 168 of the USH1G protein (p.Glu168Lys).